The following is an entry in ClinVar:

NM_015570.4(AUTS2):c.2615C>T (p.Ser872Phe)

Gene: AUTS2 (activator of transcription and developmental regulator AUTS2; plus strand). Cytogenetic location: 7q11.22.
Variant type: single nucleotide variant.
Coding change: c.2615C>T on transcript NM_015570.4 (MANE Select); coding-DNA position 2615, C replaced by T.
Protein change: p.Ser872Phe; replaces serine 872 with phenylalanine.
Molecular consequence: missense variant.
Genome position (GRCh38, 1-based): chr7:70,789,831, C>T. VCF-style: chr7-70789831-C-T. GRCh37 (hg19) VCF-style: chr7-70254817-C-T.
Other names: c.2543C>T, p.Ser848Phe (NM_001127231.3); short protein forms S848F, S872F.
Identifiers: ClinVar variation 2430503 (VCV002430503.1), dbSNP rs2484975043, ClinGen allele CA367664471.

ClinVar aggregate classification (germline): Uncertain significance (1 of 4 stars; one submission).

Submission:

GeneDx
Classification: Uncertain significance. Last evaluated: 2022-08-17. Review status: criteria provided, single submitter. Criteria: GeneDx Variant Classification Process June 2021. Collection method: clinical testing. Allele origin: germline. Affected: yes.
Comment: Not observed at significant frequency in large population cohorts (gnomAD); In silico analysis supports that this missense variant has a deleterious effect on protein structure/function; Has not been previously published as pathogenic or benign to our knowledge